The following is an entry in ClinVar:

NM_004260.4(RECQL4):c.3404G>A (p.Trp1135Ter)

Gene: RECQL4 (RecQ like helicase 4; minus strand). Cytogenetic location: 8q24.3.
Variant type: single nucleotide variant.
Coding change: c.3404G>A on transcript NM_004260.4 (MANE Select); coding-DNA position 3404, G replaced by A.
Protein change: p.Trp1135Ter; replaces tryptophan 1135 with a stop codon.
Molecular consequence: nonsense. On other transcripts: non-coding transcript variant (3).
Genome position (GRCh38, 1-based): chr8:144,511,779, C>T on the plus strand (G>A on the coding strand, the complement: RECQL4 is on the minus strand). VCF-style: chr8-144511779-C-T. GRCh37 (hg19) VCF-style: chr8-145737162-C-T.
Other names: c.3110G>A, p.Trp1037Ter (NM_001413017.1); c.3206G>A, p.Trp1069Ter (NM_001413018.1); c.3479G>A, p.Trp1160Ter (NM_001413019.1); c.3308G>A, p.Trp1103Ter (NM_001413020.1); c.2333G>A, p.Trp778Ter (NM_001413021.1, NM_001413022.1, NM_001413024.1 and 4 more transcripts); c.2408G>A, p.Trp803Ter (NM_001413023.1); c.3275G>A, p.Trp1092Ter (NM_001413025.1); c.2267G>A, p.Trp756Ter (NM_001413027.1, NM_001413030.1, NM_001413032.1); and 9 more; short protein forms W734*, W778*, W781*, W1037*, W1092*, W768*, W803*, W1018*.
Identifiers: ClinVar variation 2909998 (VCV002909998.3), dbSNP rs2537967229, ClinGen allele CA372667576.

ClinVar aggregate classification (germline): Pathogenic (1 of 4 stars; one submission).

Conditions:
Baller-Gerold syndrome (BGS). Also called: CRANIOSYNOSTOSIS WITH RADIAL DEFECTS. Identifiers: Orphanet 1225, MedGen C0265308, MONDO:0009039, OMIM 218600.

gnomAD v4.1: 4 of 1,612,568 alleles (0.00025%); highest among the groups gnomAD compares: Admixed American, 0.0033%; no homozygotes.

Submission:

Labcorp Genetics (formerly Invitae), Labcorp
Classification: Pathogenic for Baller-Gerold syndrome. Last evaluated: 2024-12-03. Review status: criteria provided, single submitter. Criteria: Invitae Variant Classification Sherloc (09022015). Collection method: clinical testing. Allele origin: germline.
Comment: This sequence change creates a premature translational stop signal (p.Trp1135*) in the RECQL4 gene. It is expected to result in an absent or disrupted protein product. Loss-of-function variants in RECQL4 are known to be pathogenic (PMID: 12734318, 12952869). This variant is not present in population databases (gnomAD no frequency). This variant has not been reported in the literature in individuals affected with RECQL4-related conditions. ClinVar contains an entry for this variant (Variation ID: 2909998). For these reasons, this variant has been classified as Pathogenic.

Literature cited by the submitters: PubMed 12734318; PubMed 12952869.